The following is an entry in ClinVar:

NM_002439.5(MSH3):c.1238A>C (p.Glu413Ala)

Gene: MSH3 (mutS homolog 3; plus strand). Cytogenetic location: 5q14.1.
Variant type: single nucleotide variant.
Coding change: c.1238A>C on transcript NM_002439.5 (MANE Select); coding-DNA position 1238, A replaced by C.
Protein change: p.Glu413Ala; replaces glutamic acid 413 with alanine.
Molecular consequence: missense variant.
Genome position (GRCh38, 1-based): chr5:80,678,991, A>C. VCF-style: chr5-80678991-A-C. GRCh37 (hg19) VCF-style: chr5-79974810-A-C.
Other names: short protein forms E413A.
Identifiers: ClinVar variation 641454 (VCV000641454.15), dbSNP rs752223122, ClinGen allele CA360268949.
Genomic context (GRCh38, chr5:80,678,991, plus strand): 5'-TGCAGCCTGCCACAGGCGAGGTTGTGTTTGATAGTTTCCAGGACTCTGCTTCTCGTTCAG[A>C]GCTAGAAACCCGGATGTCAAGCCTGCAGCCAGTAGAGCTGCTGCTTCCTTCGGCCTTGTC-3'
Protein context (NP_002430.3, residues 403-423): DSFQDSASRS[Glu413Ala]LETRMSSLQP

ClinVar aggregate classification (germline): Uncertain significance. Review status: criteria provided, multiple submitters, no conflicts (2 of 4 stars). 4 submissions from 4 submitters: Uncertain significance (4). Last evaluated 2026-01-13.

Conditions:
Hereditary cancer-predisposing syndrome. Also called: Tumor predisposition; Neoplastic Syndromes, Hereditary; Hereditary Cancer Syndrome; Hereditary neoplastic syndrome. Identifiers: Orphanet 140162, MedGen C0027672, MeSH D009386, MONDO:0015356.

gnomAD v4.1: 5 of 1,614,132 alleles (0.00031%); highest among the groups gnomAD compares: Non-Finnish European, 0.00042%; no homozygotes.

Submissions (4):

Labcorp Genetics (formerly Invitae), Labcorp
Classification: Uncertain significance. Last evaluated: 2026-01-13. Review status: criteria provided, single submitter. Criteria: Invitae Variant Classification Sherloc (09022015). Collection method: clinical testing. Allele origin: germline.
Comment: This sequence change replaces glutamic acid, which is acidic and polar, with alanine, which is neutral and non-polar, at codon 413 of the MSH3 protein (p.Glu413Ala). This variant is present in population databases (no rsID available, gnomAD 0.003%). This variant has not been reported in the literature in individuals affected with MSH3-related conditions. ClinVar contains an entry for this variant (Variation ID: 641454). An algorithm developed to predict the effect of missense changes on protein structure and function (PolyPhen-2) suggests that this variant is likely to be disruptive. In summary, the available evidence is currently insufficient to determine the role of this variant in disease. Therefore, it has been classified as a Variant of Uncertain Significance.

GeneDx
Classification: Uncertain significance. Last evaluated: 2025-07-29. Review status: criteria provided, single submitter. Criteria: GeneDx Variant Classification Process June 2021. Collection method: clinical testing. Allele origin: germline.
Comment: Not observed at significant frequency in large population cohorts (gnomAD); In silico analysis supports that this missense variant has a deleterious effect on protein structure/function; Has not been previously published as pathogenic or benign to our knowledge

Ambry Genetics
Classification: Uncertain significance for Hereditary cancer-predisposing syndrome. Last evaluated: 2025-07-11. Review status: criteria provided, single submitter. Criteria: Ambry Variant Classification Scheme 2023. Collection method: clinical testing. Allele origin: germline.
Comment: The p.E413A variant (also known as c.1238A>C), located in coding exon 8 of the MSH3 gene, results from an A to C substitution at nucleotide position 1238. The glutamic acid at codon 413 is replaced by alanine, an amino acid with dissimilar properties. This amino acid position is highly conserved in available vertebrate species. In addition, this alteration is predicted to be deleterious by in silico analysis. Since supporting evidence is limited at this time, the clinical significance of this alteration remains unclear.

Sema4
Classification: Uncertain significance for Hereditary cancer-predisposing syndrome. Last evaluated: 2021-12-29. Review status: criteria provided, single submitter. Criteria: Sema4 Curation Guidelines. Collection method: curation. Allele origin: germline.
Comment: The MSH3 c.1238A>C (p.E413A) variant has not been reported in the literature to our knowledge. It was observed in 3/113638 chromosomes of the Non-Finnish European subpopulation in the large and broad cohorts of the Genome Aggregation Database (PMID: 32461654). The variant has been reported in ClinVar (Variation ID 641454). In silico tools suggest the impact of the variant on protein function is deleterious, though these predictions have not been confirmed by functional studies. The evidence is insufficient to meet ACMG/AMP criteria for classifying the variant as benign or pathogenic. Thus, the clinical significance of this variant is currently uncertain.